The following is an entry in ClinVar:

ClinVar aggregate classification (germline): Likely pathogenic (1 of 4 stars; one submission).

Submission:

Labcorp Genetics (formerly Invitae), Labcorp
Classification: Likely pathogenic. Last evaluated: 2023-02-05. Review status: criteria provided, single submitter. Criteria: Invitae Variant Classification Sherloc (09022015). Collection method: clinical testing. Allele origin: germline.
Comment: In summary, the currently available evidence indicates that the variant is pathogenic, but additional data are needed to prove that conclusively. Therefore, this variant has been classified as Likely Pathogenic. This variant disrupts the p.Asp62 amino acid residue in SLC12A3. Other variant(s) that disrupt this residue have been determined to be pathogenic (PMID: 8900229, 22934535). This suggests that this residue is clinically significant, and that variants that disrupt this residue are likely to be disease-causing. Advanced modeling of protein sequence and biophysical properties (such as structural, functional, and spatial information, amino acid conservation, physicochemical variation, residue mobility, and thermodynamic stability) performed at Invitae indicates that this missense variant is expected to disrupt SLC12A3 protein function. This variant has not been reported in the literature in individuals affected with SLC12A3-related conditions. This variant is not present in population databases (gnomAD no frequency). This sequence change replaces aspartic acid, which is acidic and polar, with valine, which is neutral and non-polar, at codon 62 of the SLC12A3 protein (p.Asp62Val).

Literature cited by the submitters: PubMed 8900229; PubMed 22934535.

NM_001126108.2(SLC12A3):c.185A>T (p.Asp62Val)

Gene: SLC12A3 (solute carrier family 12 member 3; plus strand). Cytogenetic location: 16q13.
Variant type: single nucleotide variant.
Coding change: c.185A>T on transcript NM_001126108.2 (MANE Select); coding-DNA position 185, A replaced by T.
Protein change: p.Asp62Val; replaces aspartic acid 62 with valine.
Molecular consequence: missense variant.
Genome position (GRCh38, 1-based): chr16:56,865,420, A>T. VCF-style: chr16-56865420-A-T. GRCh37 (hg19) VCF-style: chr16-56899332-A-T.
Other names: c.185A>T, p.Asp62Val (NM_001126107.2, NM_001410896.1, NM_000339.3); short protein forms D62V.
Identifiers: ClinVar variation 2834764 (VCV002834764.3), dbSNP rs1251732657, ClinGen allele CA395977145.